The following is an entry in ClinVar:

NM_000061.3(BTK):c.1428_1429del (p.Met477fs)

Gene: BTK (Bruton tyrosine kinase; minus strand). Cytogenetic location: Xq22.1.
Variant type: Deletion.
Coding change: c.1428_1429del on transcript NM_000061.3 (MANE Select); coding-DNA positions 1428 to 1429, 2 bases deleted (CA; older notation c.1428_1429delCA).
Protein change: p.Met477fs; shifts the reading frame from methionine 477.
Molecular consequence: frameshift variant. On other transcripts: intron variant (1).
Genome position (GRCh38, 1-based): chrX:101,356,189-101,356,190, TG deleted on the plus strand (CA on the coding strand, the reverse complement: BTK is on the minus strand); deleting any 2 consecutive bases within chrX:101,356,189-101,356,191 gives the same sequence; the c. name uses the placement nearest the transcript's 3' end. VCF-style (leftmost placement, unchanged base first): chrX-101356188-ATG-A. GRCh37 (hg19) VCF-style: chrX-100611176-ATG-A.
Other names: c.1530_1531del, p.Met511fs (NM_001287344.2); c.1039-1496_1039-1495del (NM_001287345.2); short protein forms M511fs, M477fs.
Identifiers: ClinVar variation 4715539 (VCV004715539.1).

ClinVar aggregate classification (germline): Pathogenic (1 of 4 stars; one submission).

Conditions:
X-linked agammaglobulinemia with growth hormone deficiency (IGHD3). Also called: HYPOGAMMAGLOBULINEMIA AND ISOLATED GROWTH HORMONE DEFICIENCY, X-LINKED; IGHD III; AGAMMAGLOBULINEMIA AND ISOLATED GROWTH HORMONE DEFICIENCY, X-LINKED; FLEISHER SYNDROME; ISOLATED GROWTH HORMONE DEFICIENCY, TYPE III, WITH AGAMMAGLOBULINEMIA; Isolated growth hormone deficiency type 3. Identifiers: Orphanet 231692, Orphanet 631, MedGen C0472813, MONDO:0010615, OMIM 307200.

Submission:

Labcorp Genetics (formerly Invitae), Labcorp
Classification: Pathogenic for X-linked agammaglobulinemia with growth hormone deficiency. Last evaluated: 2025-03-20. Review status: criteria provided, single submitter. Criteria: Invitae Variant Classification Sherloc (09022015). Collection method: clinical testing. Allele origin: germline.
Comment: This sequence change creates a premature translational stop signal (p.Met477Glyfs*30) in the BTK gene. It is expected to result in an absent or disrupted protein product. Loss-of-function variants in BTK are known to be pathogenic (PMID: 15661032, 16862044, 19419768). This variant is not present in population databases (gnomAD no frequency). This variant has not been reported in the literature in individuals affected with BTK-related conditions. For these reasons, this variant has been classified as Pathogenic.

Literature cited by the submitters: PubMed 15661032; PubMed 16862044; PubMed 19419768.